The following is an entry in ClinVar:

NM_144573.4(NEXN):c.1805C>T (p.Thr602Met)

Gene: NEXN (nexilin F-actin binding protein; plus strand). Cytogenetic location: 1p31.1.
Variant type: single nucleotide variant.
Coding change: c.1805C>T on transcript NM_144573.4 (MANE Select); coding-DNA position 1805, C replaced by T.
Protein change: p.Thr602Met; replaces threonine 602 with methionine.
Molecular consequence: missense variant.
Genome position (GRCh38, 1-based): chr1:77,942,606, C>T. VCF-style: chr1-77942606-C-T. GRCh37 (hg19) VCF-style: chr1-78408291-C-T.
Other names: p.T602M:ACG>ATG; c.1613C>T, p.Thr538Met (NM_001172309.2); short protein forms T602M, T538M.
Identifiers: ClinVar variation 201932 (VCV000201932.9), dbSNP rs756709134, ClinGen allele CA335436.

ClinVar aggregate classification (germline): Uncertain significance. Review status: criteria provided, multiple submitters, no conflicts (2 of 4 stars). 5 submissions from 5 submitters: Uncertain significance (5). Last evaluated 2025-12-05.

Conditions:
Hypertrophic cardiomyopathy 20. Identifiers: MedGen C3151267, MONDO:0013477, OMIM 613876.
Dilated cardiomyopathy 1CC (CMD1CC). Identifiers: Orphanet 154, MedGen C2751084, MONDO:0013147, OMIM 613122.
Cardiovascular phenotype. Identifiers: MedGen CN230736.

Allele frequency attached by ClinVar (database versions not stated): TOPMed below 0.00001; gnomAD 0.00001; gnomAD exomes 0.00001; ExAC 0.00002.
gnomAD v4.1: 9 of 1,613,576 alleles (0.00056%); highest among the groups gnomAD compares: South Asian, 0.0011%; no homozygotes.

Submissions (5):

Ambry Genetics
Classification: Uncertain significance for Cardiovascular phenotype. Last evaluated: 2025-12-05. Review status: criteria provided, single submitter. Criteria: Ambry Variant Classification Scheme 2023. Collection method: clinical testing. Allele origin: germline.
Comment: The p.T602M variant (also known as c.1805C>T), located in coding exon 12 of the NEXN gene, results from a C to T substitution at nucleotide position 1805. The threonine at codon 602 is replaced by methionine, an amino acid with similar properties. This amino acid position is conserved. In addition, the in silico prediction for this alteration is inconclusive. Since supporting evidence is limited at this time, the clinical significance of this alteration remains unclear.

Women's Health and Genetics/Laboratory Corporation of America, LabCorp
Classification: Uncertain significance. Last evaluated: 2023-12-03. Review status: criteria provided, single submitter. Criteria: LabCorp Variant Classification Summary - May 2015. Collection method: clinical testing. Allele origin: germline.

Labcorp Genetics (formerly Invitae), Labcorp
Classification: Uncertain significance for Dilated cardiomyopathy 1CC; Hypertrophic cardiomyopathy 20. Last evaluated: 2023-10-10. Review status: criteria provided, single submitter. Criteria: Invitae Variant Classification Sherloc (09022015). Collection method: clinical testing. Allele origin: germline.
Comment: This sequence change replaces threonine, which is neutral and polar, with methionine, which is neutral and non-polar, at codon 602 of the NEXN protein (p.Thr602Met). This variant is present in population databases (rs756709134, gnomAD 0.002%). This variant has not been reported in the literature in individuals affected with NEXN-related conditions. ClinVar contains an entry for this variant (Variation ID: 201932). Advanced modeling of protein sequence and biophysical properties (such as structural, functional, and spatial information, amino acid conservation, physicochemical variation, residue mobility, and thermodynamic stability) performed at Invitae indicates that this missense variant is not expected to disrupt NEXN protein function. In summary, the available evidence is currently insufficient to determine the role of this variant in disease. Therefore, it has been classified as a Variant of Uncertain Significance.

Fulgent Genetics
Classification: Uncertain significance for Dilated cardiomyopathy 1CC; Hypertrophic cardiomyopathy 20. Last evaluated: 2021-08-04. Review status: criteria provided, single submitter. Criteria: ACMG Guidelines, 2015. Collection method: clinical testing. Allele origin: unknown.

GeneDx
Classification: Uncertain significance. Last evaluated: 2020-05-15. Review status: criteria provided, single submitter. Criteria: GeneDx Variant Classification Process June 2021. Collection method: clinical testing. Allele origin: germline. Affected: yes.
Comment: Not observed at a significant frequency in large population cohorts (Lek et al., 2016); In silico analysis supports that this missense variant does not alter protein structure/function; Has not been previously published as pathogenic or benign to our knowledge

Literature cited by the submitters: PubMed 38254962 (cited by Ambry Genetics); PubMed 39740200 (cited by Ambry Genetics).